The following is an entry in ClinVar:

ClinVar aggregate classification (germline): Uncertain significance (1 of 4 stars; one submission).

Submission:

GeneDx
Classification: Uncertain significance. Last evaluated: 2025-05-19. Review status: criteria provided, single submitter. Criteria: GeneDx Variant Classification Process June 2021. Collection method: clinical testing. Allele origin: germline.
Comment: Not observed at significant frequency in large population cohorts (gnomAD); In silico analysis supports that this missense variant has a deleterious effect on protein structure/function; Has not been previously published as pathogenic or benign to our knowledge

NM_001367916.1(MAGT1):c.907T>C (p.Cys303Arg)

Gene: MAGT1 (magnesium transporter 1; minus strand). Cytogenetic location: Xq21.1.
Variant type: single nucleotide variant.
Coding change: c.907T>C on transcript NM_001367916.1 (MANE Select); coding-DNA position 907, T replaced by C.
Protein change: p.Cys303Arg; replaces cysteine 303 with arginine.
Molecular consequence: missense variant.
Genome position (GRCh38, 1-based): chrX:77,830,890, A>G on the plus strand (T>C on the coding strand, the complement: MAGT1 is on the minus strand). VCF-style: chrX-77830890-A-G. GRCh37 (hg19) VCF-style: chrX-77086387-A-G.
Other names: c.1003T>C, p.Cys335Arg (NM_032121.5); short protein forms C303R, C335R.
Identifiers: ClinVar variation 3369319 (VCV003369319.2).